The following is an entry in ClinVar:

ClinVar aggregate classification (germline): Conflicting classifications of pathogenicity. Review status: criteria provided, conflicting classifications (1 of 4 stars). 3 submissions from 3 submitters: Likely pathogenic (1); Uncertain significance (2). Last evaluated 2026-08-24.

Conditions:
Inborn genetic diseases. Identifiers: MedGen C0950123, MeSH D030342.
PRPF8-related disorder. Also called: PRPF8-related condition.

Allele frequency attached by ClinVar (database versions not stated): gnomAD exomes 0.00013; 1000 Genomes Project 30x 0.00016; ExAC 0.00016; TOPMed 0.00017; gnomAD 0.00019 and 0.00020; 1000 Genomes Project 0.00020; ESP Exome Variant Server 0.00031.
gnomAD v4.1: 216 of 1,614,018 alleles (0.013%); highest among the groups gnomAD compares: African/African-American, 0.04%; no homozygotes.

Submissions (4):

PreventionGenetics, part of Exact Sciences
Classification: Uncertain significance for PRPF8-related condition. Last evaluated: 2026-08-24. Review status: criteria provided, single submitter. Criteria: ACMG Guidelines, 2015. Collection method: clinical testing. Allele origin: germline.
Comment: The PRPF8 c.389A>G variant is predicted to result in the amino acid substitution p.Asn130Ser. This variant has been reported in an individual with retinitis pigmentosa (Li et al. 2024. PubMed ID: 39206744). This variant is reported in 0.024% of alleles in individuals of African descent in gnomAD, which may be too common to be a primary cause for disease. At this time, the clinical significance of this variant is uncertain due to the absence of conclusive functional and genetic evidence.

Labcorp Genetics (formerly Invitae), Labcorp
Classification: Likely pathogenic. Last evaluated: 2026-02-01. Review status: criteria provided, single submitter. Criteria: Invitae Variant Classification Sherloc (09022015). Collection method: clinical testing. Allele origin: germline.
Comment: This sequence change replaces asparagine, which is neutral and polar, with serine, which is neutral and polar, at codon 130 of the PRPF8 protein (p.Asn130Ser). This variant is present in population databases (rs201671566, gnomAD 0.02%). This missense change has been observed in individuals with clinical features of retinitis pigmentosa (PMID: 39206744; internal data). ClinVar contains an entry for this variant (Variation ID: 942091). Invitae Evidence Modeling of protein sequence and biophysical properties (such as structural, functional, and spatial information, amino acid conservation, physicochemical variation, residue mobility, and thermodynamic stability) indicates that this missense variant is expected to disrupt PRPF8 protein function with a positive predictive value of 80%. In summary, the currently available evidence indicates that the variant is pathogenic, but additional data are needed to prove that conclusively. Therefore, this variant has been classified as Likely Pathogenic.

Ambry Genetics
Classification: Uncertain significance for Inborn genetic diseases. Last evaluated: 2021-09-16. Review status: criteria provided, single submitter. Criteria: Ambry Variant Classification Scheme 2023. Collection method: clinical testing. Allele origin: germline.

Dr. Peter K. Rogan Lab, Western University
No classification provided (evidence only). Condition: Gastric cancer. Review status: no classification provided. Collection method: in vitro. Allele origin: not applicable. Functional consequence: retained intron. Not counted in ClinVar's aggregate classification.

Literature cited by the submitters: PubMed 39206744 (cited by Labcorp Genetics (formerly Invitae), Labcorp).

NM_006445.4(PRPF8):c.389A>G (p.Asn130Ser)

Gene: PRPF8 (pre-mRNA processing factor 8; minus strand). Cytogenetic location: 17p13.3.
Variant type: single nucleotide variant.
Coding change: c.389A>G on transcript NM_006445.4 (MANE Select); coding-DNA position 389, A replaced by G.
Protein change: p.Asn130Ser; replaces asparagine 130 with serine.
Molecular consequence: missense variant.
Genome position (GRCh38, 1-based): chr17:1,682,174, T>C on the plus strand (A>G on the coding strand, the complement: PRPF8 is on the minus strand). VCF-style: chr17-1682174-T-C. GRCh37 (hg19) VCF-style: chr17-1585468-T-C.
Other names: short protein forms N130S.
Identifiers: ClinVar variation 942091 (VCV000942091.9), dbSNP rs201671566, ClinGen allele CA8272645.